The following is an entry in ClinVar:

NM_007294.4(BRCA1):c.1018_1019insA (p.Val340fs)

Gene: BRCA1 (BRCA1 DNA repair associated; minus strand). Cytogenetic location: 17q21.31.
Variant type: Insertion.
Coding change: c.1018_1019insA on transcript NM_007294.4 (MANE Select); coding-DNA positions 1018 to 1019, A inserted.
Protein change: p.Val340fs; shifts the reading frame from valine 340.
Molecular consequence: frameshift variant. On other transcripts: intron variant (137).
Genome position: GRCh38 VCF-style: chr17-43094512-A-AT. GRCh37 (hg19) VCF-style: chr17-41246529-A-AT.
Other names: c.805_806insA, p.Val269fs (NM_001407571.1, NM_001407915.1, NM_001407916.1 and 9 more transcripts); c.1018_1019insA, p.Val340fs (NM_001407581.1, NM_001407582.1, NM_001407583.1 and 30 more transcripts); c.1015_1016insA, p.Val339fs (NM_001407587.1, NM_001407590.1, NM_001407591.1 and 22 more transcripts); c.1009_1010insA, p.Val337fs (NM_001407646.1, NM_001407647.1); c.937_938insA, p.Val313fs (NM_001407660.1, NM_001407661.1, NM_001407662.1 and 1 more transcripts); c.940_941insA, p.Val314fs (NM_001407663.1, NM_001407653.1, NM_001407654.1 and 4 more transcripts); c.895_896insA, p.Val299fs (NM_001407664.1, NM_001407665.1, NM_001407666.1 and 19 more transcripts); c.892_893insA, p.Val298fs (NM_001407685.1, NM_001407940.1, NM_001407941.1 and 11 more transcripts); and 40 more; short protein forms V340fs, V293fs, V273fs, V292fs, V298fs, V313fs, V212fs, V228fs.
Identifiers: ClinVar variation 548294 (VCV000548294.2), dbSNP rs1555592640, ClinGen allele CA658824543.
Genomic context (GRCh38, chr17:43,094,512, plus strand): 5'-CATGGCAGTTTCTGCTTATTCCATTCTTTTCTCTCACACAGGGGATCAGCATTCAGATCT[A>AT]CCTTTTTTTCTGTGCTGGGAGTCCGCCTATCATTACATGTTTCCTTACTTCCAGCCCATC-3'

ClinVar aggregate classification (germline): Pathogenic (3 of 4 stars; one submission).

Conditions:
Breast-ovarian cancer, familial, susceptibility to, 1 (BROVCA1). Also called: BRCA1 Hereditary Breast and Ovarian Cancer; OVARIAN CANCER, SUSCEPTIBILITY TO. Identifiers: Orphanet 145, MedGen C2676676, MONDO:0011450, OMIM 604370. Disease mechanism: loss of function.

Submission:

Evidence-based Network for the Interpretation of Germline Mutant Alleles (ENIGMA)
Classification: Pathogenic for Breast-ovarian cancer, familial, susceptibility to, 1. Last evaluated: 2017-12-15. Review status: reviewed by expert panel. Criteria: ENIGMA BRCA1/2 Classification Criteria (2017-06-29). Collection method: curation. Allele origin: germline. Study: ENIGMA.
Comment: Variant allele predicted to encode a truncated non-functional protein.